The following is an entry in ClinVar:

NM_000143.4(FH):c.1237-3A>G

Gene: FH (fumarate hydratase; minus strand). Cytogenetic location: 1q43.
Variant type: single nucleotide variant.
Coding change: c.1237-3A>G on transcript NM_000143.4 (MANE Select); 3 bases into the intron before coding-DNA position 1237, A replaced by G.
Molecular consequence: intron variant.
Genome position (GRCh38, 1-based): chr1:241,500,593, T>C on the plus strand (A>G on the coding strand, the complement: FH is on the minus strand). VCF-style: chr1-241500593-T-C. GRCh37 (hg19) VCF-style: chr1-241663893-T-C.
Identifiers: ClinVar variation 1485580 (VCV001485580.10), dbSNP rs2147913409, ClinGen allele CA2573132910.

ClinVar aggregate classification (germline): Conflicting classifications of pathogenicity. Review status: criteria provided, conflicting classifications (1 of 4 stars). 2 submissions from 2 submitters: Pathogenic (1); Uncertain significance (1). Last evaluated 2025-11-18.

Conditions:
Hereditary cancer-predisposing syndrome. Also called: Hereditary neoplastic syndrome; Neoplastic Syndromes, Hereditary; Hereditary Cancer Syndrome; Tumor predisposition. Identifiers: Orphanet 140162, MedGen C0027672, MeSH D009386, MONDO:0015356.

Submissions (2):

Ambry Genetics
Classification: Pathogenic for Hereditary cancer-predisposing syndrome. Last evaluated: 2025-11-18. Review status: criteria provided, single submitter. Criteria: Ambry Variant Classification Scheme 2023. Collection method: clinical testing. Allele origin: germline.
Comment: The c.1237-3A>G intronic pathogenic variant results from an A to G substitution 3 nucleotides upstream from coding exon 9 in the FH gene. This variant was reported in individuals with features consistent with FH-related tumor predisposition (Xu Y et al. Eur Urol . 2023 Feb;83(2):163-172; Ambry internal data). This nucleotide position is poorly conserved in available vertebrate species. In silico splice site analysis predicts that this alteration will weaken the native splice acceptor site and will result in the creation or strengthening of a novel splice acceptor site. RNA studies have demonstrated that this alteration results in abnormal splicing in the set of samples tested (Ambry internal data). This variant is considered to be rare based on population cohorts in the Genome Aggregation Database (gnomAD). Based on the supporting evidence, this variant is interpreted as a disease-causing mutation.

Labcorp Genetics (formerly Invitae), Labcorp
Classification: Uncertain significance. Last evaluated: 2025-08-26. Review status: criteria provided, single submitter. Criteria: Invitae Variant Classification Sherloc (09022015). Collection method: clinical testing. Allele origin: germline.
Comment: This sequence change falls in intron 8 of the FH gene. It does not directly change the encoded amino acid sequence of the FH protein. It affects a nucleotide within the consensus splice site. This variant is not present in population databases (gnomAD no frequency). This variant has not been reported in the literature in individuals affected with FH-related conditions. ClinVar contains an entry for this variant (Variation ID: 1485580). Variants that disrupt the consensus splice site are a relatively common cause of aberrant splicing (PMID: 17576681, 9536098). Studies have shown that this variant is associated with inconclusive levels of altered splicing (internal data). In summary, the available evidence is currently insufficient to determine the role of this variant in disease. Therefore, it has been classified as a Variant of Uncertain Significance.

Literature cited by the submitters: PubMed 35715365 (cited by Ambry Genetics); PubMed 17576681 (cited by Labcorp Genetics (formerly Invitae), Labcorp); PubMed 9536098 (cited by Labcorp Genetics (formerly Invitae), Labcorp).